The following is an entry in ClinVar:

ClinVar aggregate classification (germline): Uncertain significance. Review status: criteria provided, multiple submitters, no conflicts (2 of 4 stars). 2 submissions from 2 submitters: Uncertain significance (2). Last evaluated 2025-08-25.

Conditions:
Inborn genetic diseases. Identifiers: MedGen C0950123, MeSH D030342.
Ataxia-pancytopenia syndrome (ATXPC). Also called: SAMD9L-Related Syndrome; SAMD9L Ataxia-Pancytopenia Syndrome. Identifiers: Orphanet 2585, MedGen C1327919, MONDO:0008038, OMIM 159550.

Submissions (2):

Ambry Genetics
Classification: Uncertain significance for Inborn genetic diseases. Last evaluated: 2025-08-25. Review status: criteria provided, single submitter. Criteria: Ambry Variant Classification Scheme 2023. Collection method: clinical testing. Allele origin: germline.
Comment: The p.R597G variant (also known as c.1789A>G), located in coding exon 1 of the SAMD9L gene, results from an A to G substitution at nucleotide position 1789. The arginine at codon 597 is replaced by glycine, an amino acid with dissimilar properties. This amino acid position is conserved. In addition, this alteration is predicted to be tolerated by in silico analysis. Based on the available evidence, the clinical significance of this variant remains unclear.

Genomic Medicine Center of Excellence, King Faisal Specialist Hospital and Research Centre
Classification: Uncertain significance for Ataxia-pancytopenia syndrome. Last evaluated: 2024-04-04. Review status: criteria provided, single submitter. Criteria: ACMG Guidelines, 2015. Collection method: clinical testing. Allele origin: germline.

NM_152703.5(SAMD9L):c.1789A>G (p.Arg597Gly)

Gene: SAMD9L (sterile alpha motif domain containing 9 like; minus strand). Cytogenetic location: 7q21.2.
Variant type: single nucleotide variant.
Coding change: c.1789A>G on transcript NM_152703.5 (MANE Select); coding-DNA position 1789, A replaced by G.
Protein change: p.Arg597Gly; replaces arginine 597 with glycine.
Molecular consequence: missense variant.
Genome position (GRCh38, 1-based): chr7:93,134,183, T>C on the plus strand (A>G on the coding strand, the complement: SAMD9L is on the minus strand). VCF-style: chr7-93134183-T-C. GRCh37 (hg19) VCF-style: chr7-92763496-T-C.
Other names: c.1789A>G (NM_152703.2); c.1789A>G, p.Arg597Gly (NM_001350082.2, NM_001350083.2, NM_001350084.2 and 5 more transcripts); short protein forms R597G.
Identifiers: ClinVar variation 3067822 (VCV003067822.2), dbSNP rs2535425230, ClinGen allele CA368194613.